The following is an entry in ClinVar:

NM_006237.4(POU4F1):c.1122C>T (p.Phe374=)

Genes: OBI1-AS1 (OBI1 antisense RNA 1; plus strand), POU4F1 (POU class 4 homeobox 1; minus strand). Cytogenetic location: 13q31.1.
Variant type: single nucleotide variant.
Coding change: c.1122C>T on transcript NM_006237.4 (MANE Select); coding-DNA position 1122, C replaced by T.
Protein change: p.Phe374=; no amino-acid change (phenylalanine 374 retained).
Molecular consequence: synonymous variant.
Genome position (GRCh38, 1-based): chr13:78,601,553, G>A on the plus strand (C>T on the coding strand, the complement: POU4F1 is on the minus strand). VCF-style: chr13-78601553-G-A. GRCh37 (hg19) VCF-style: chr13-79175688-G-A.
Identifiers: ClinVar variation 1675526 (VCV001675526.33), dbSNP rs147924260, ClinGen allele CA7012526.
Genomic context (GRCh38, chr13:78,601,553, plus strand): 5'-GAGGTCCAGTTTCTCGGCGATGGCGGCGATCTTCTCGGACGAGGGCCGGGGCTGCACGGC[G>A]AAGTAGGCCTCGAGGGAGCGCTTCTCGGGCGCGGCGATGGAAGTCCGCTTGCGCTTCTTC-3'
Protein context (NP_006228.3, residues 364-384): APEKRSLEAY[Phe374=]AVQPRPSSEK

ClinVar aggregate classification (germline): Likely benign (1 of 4 stars; one submission).

Allele frequency attached by ClinVar (database versions not stated): 1000 Genomes Project 30x 0.00016; 1000 Genomes Project 0.00020; gnomAD 0.00094 and 0.00100; ESP Exome Variant Server 0.00108; gnomAD exomes 0.00122 and 0.00084; TOPMed 0.00077; ExAC 0.00091.
gnomAD v4.1: 1,881 of 1,613,968 alleles (0.12%); highest among the groups gnomAD compares: Non-Finnish European, 0.15%; 6 homozygotes.

Submission:

CeGaT Center for Human Genetics Tuebingen
Classification: Likely benign. Last evaluated: 2026-09-01. Review status: criteria provided, single submitter. Criteria: CeGaT Center For Human Genetics Tuebingen Variant Classification Criteria Version 2. Collection method: clinical testing. Allele origin: germline. Affected: yes. Observed: 19 variant alleles.
Comment: POU4F1: BP4, BP7